The following is an entry in ClinVar:

NM_001353345.2(SETD1B):c.5242C>A (p.Arg1748Ser)

Gene: SETD1B (SET domain containing 1B, histone lysine methyltransferase; plus strand). Cytogenetic location: 12q24.31.
Variant type: single nucleotide variant.
Coding change: c.5242C>A on transcript NM_001353345.2 (MANE Select); coding-DNA position 5242, C replaced by A.
Protein change: p.Arg1748Ser; replaces arginine 1748 with serine.
Molecular consequence: missense variant.
Genome position (GRCh38, 1-based): chr12:121,825,271, C>A. VCF-style: chr12-121825271-C-A. GRCh37 (hg19) VCF-style: chr12-122263177-C-A.
Other names: short protein forms R1748S.
Identifiers: ClinVar variation 4526184 (VCV004526184.1).
Genomic context (GRCh38, chr12:121,825,271, plus strand): 5'-TCTTCAGCTAAGAAGAAGAAACGGGACGATGGCATCCGCGAGCACGTGACGGGCTGTGCC[C>A]GCAGTGAGGGCTTCTACACCATCGACAAGAAGGACAAGCTCAGATACCTCAACAGCAGCC-3'
Protein context (NP_001340274.1, residues 1738-1758): GIREHVTGCA[Arg1748Ser]SEGFYTIDKK

ClinVar aggregate classification (germline): Pathogenic (1 of 4 stars; one submission).

Conditions:
Intellectual developmental disorder with seizures and language delay (IDDSELD). Identifiers: MedGen C5436574, MONDO:0033559, OMIM 619000.

Submission:

Women's Health and Genetics/Laboratory Corporation of America, LabCorp
Classification: Pathogenic for Intellectual developmental disorder with seizures and language delay. Last evaluated: 2025-07-28. Review status: criteria provided, single submitter. Criteria: LabCorp Variant Classification Summary - May 2015. Collection method: clinical testing. Allele origin: germline.
Comment: Variant summary: SETD1B c.5242C>A (p.Arg1748Ser) results in a non-conservative amino acid change located in the COMPASS (complex proteins associated with Set1p) complex Set1 subunit, N-SET domain (IPR024657) affecting the WDR5 interaction (WIN) motif (amino acids 1745-1750, sequence: GCARSE; UniProt) of the encoded protein sequence. Algorithms developed to predict the effect of missense changes on protein structure and function all suggest that this variant is likely to be disruptive. The variant was absent in 157250 control chromosomes (gnomAD). To our knowledge, no experimental evidence demonstrating an impact on protein function has been reported. However, a different missense affecting the same amino acid (c.5242C>T, p.R1748C) has been reported as a de novo occurrence in an affected individual (PMID 34345025), and been classified as Pathogenic in ClinVar, supporting a functional importance of the a Arg1748 residue. No submitters have cited clinical-significance assessments for this variant to ClinVar. Based on the evidence outlined above, the variant was classified as pathogenic.